The following is an entry in ClinVar:

ClinVar aggregate classification (germline): Likely benign. Review status: criteria provided, multiple submitters, no conflicts (2 of 4 stars). 3 submissions from 3 submitters: Likely benign (3). Last evaluated 2026-01-22.

Conditions:
Autosomal recessive limb-girdle muscular dystrophy type 2Q (LGMDR17). Also called: MUSCULAR DYSTROPHY, LIMB-GIRDLE, AUTOSOMAL RECESSIVE 17. Identifiers: Orphanet 254361, MedGen C3150989, MONDO:0013390, OMIM 613723.
Epidermolysis bullosa simplex 5C, with pyloric atresia (EBS5C). Also called: PLEC1-Related Epidermolysis Bullosa with Pyloric Atresia; PLEC-Related Epidermolysis Bullosa with Pyloric Atresia; Epidermolysis bullosa simplex with pyloric atresia. Identifiers: Orphanet 158684, MedGen C2677349, MONDO:0012807, OMIM 612138.
Epidermolysis bullosa simplex with nail dystrophy (EBS5D). Identifiers: MedGen C4225309, MONDO:0014661, OMIM 616487.
Epidermolysis bullosa simplex, Ogna type (EBS5A). Also called: Pidermolysis bullosa simplex 5A, Ogna type; EPIDERMOLYSIS BULLOSA SIMPLEX 5A, OGNA TYPE. Identifiers: Orphanet 79401, MedGen C0432317, MONDO:0007555, OMIM 131950.
Epidermolysis bullosa simplex 5B, with muscular dystrophy (EBS5B). Also called: Epidermolysis bullosa simplex with muscular dystrophy; EPIDERMOLYSIS BULLOSA SIMPLEX AND LIMB-GIRDLE MUSCULAR DYSTROPHY. Identifiers: Orphanet 257, MedGen C2931072, MONDO:0009181, OMIM 226670.

Allele frequency attached by ClinVar (database versions not stated): ExAC 0.00023; gnomAD exomes 0.00026; ESP Exome Variant Server 0.00033; TOPMed 0.00057; gnomAD 0.00074 and 0.00081.

Submissions (3):

Labcorp Genetics (formerly Invitae), Labcorp
Classification: Likely benign for Autosomal recessive limb-girdle muscular dystrophy type 2Q; Epidermolysis bullosa simplex, Ogna type; Epidermolysis bullosa simplex with nail dystrophy; Epidermolysis bullosa simplex 5C, with pyloric atresia; Epidermolysis bullosa simplex 5B, with muscular dystrophy. Last evaluated: 2026-01-22. Review status: criteria provided, single submitter. Criteria: Invitae Variant Classification Sherloc (09022015). Collection method: clinical testing. Allele origin: germline.

Blueprint Genetics
Classification: Likely benign. Last evaluated: 2024-09-09. Review status: criteria provided, single submitter. Criteria: ACMG Guidelines, 2015. Collection method: clinical testing. Allele origin: germline.

GeneDx
Classification: Likely benign. Last evaluated: 2017-07-07. Review status: criteria provided, single submitter. Criteria: GeneDx Variant Classification (06012015). Collection method: clinical testing. Allele origin: germline. Affected: yes.
Comment: This variant is considered likely benign or benign based on one or more of the following criteria: it is a conservative change, it occurs at a poorly conserved position in the protein, it is predicted to be benign by multiple in silico algorithms, and/or has population frequency not consistent with disease.

NM_201384.3(PLEC):c.2083-19G>A

Gene: PLEC (plectin; minus strand). Cytogenetic location: 8q24.3.
Variant type: single nucleotide variant.
Coding change: c.2083-19G>A on transcript NM_201384.3 (MANE Select); 19 bases into the intron before coding-DNA position 2083, G replaced by A.
Molecular consequence: intron variant.
Genome position (GRCh38, 1-based): chr8:143,932,051, C>T on the plus strand (G>A on the coding strand, the complement: PLEC is on the minus strand). VCF-style: chr8-143932051-C-T. GRCh37 (hg19) VCF-style: chr8-145006219-C-T.
Other names: c.2164-19G>A (NM_000445.5); c.2041-19G>A (NM_201378.4); c.2017-19G>A (NM_201379.3); c.2494-19G>A (NM_201380.4); c.1987-19G>A (NM_201381.3); c.2083-19G>A (NM_201382.4); c.2095-19G>A (NM_201383.3).
Identifiers: ClinVar variation 387298 (VCV000387298.10), dbSNP rs369475484, ClinGen allele CA4927661.